The following is an entry in ClinVar:

NM_144687.4(NLRP12):c.2880G>C (p.Leu960Phe)

Gene: NLRP12 (NLR family pyrin domain containing 12; minus strand). Cytogenetic location: 19q13.42.
Variant type: single nucleotide variant.
Coding change: c.2880G>C on transcript NM_144687.4 (MANE Select); coding-DNA position 2880, G replaced by C.
Protein change: p.Leu960Phe; replaces leucine 960 with phenylalanine.
Molecular consequence: missense variant. On other transcripts: intron variant (1).
Genome position (GRCh38, 1-based): chr19:53,798,290, C>G on the plus strand (G>C on the coding strand, the complement: NLRP12 is on the minus strand). VCF-style: chr19-53798290-C-G. GRCh37 (hg19) VCF-style: chr19-54301544-C-G.
Other names: c.2883G>C, p.Leu961Phe (NM_001277126.2); c.2757-2261G>C (NM_001277129.1); short protein forms L960F, L961F.
Identifiers: ClinVar variation 4765480 (VCV004765480.1).

ClinVar aggregate classification (germline): Uncertain significance (1 of 4 stars; one submission).

Conditions:
Familial cold autoinflammatory syndrome 2 (FCAS2). Identifiers: Orphanet 247868, MedGen C2673198, MONDO:0012724, OMIM 611762.

Submission:

Labcorp Genetics (formerly Invitae), Labcorp
Classification: Uncertain significance for Familial cold autoinflammatory syndrome 2. Last evaluated: 2025-10-27. Review status: criteria provided, single submitter. Criteria: Invitae Variant Classification Sherloc (09022015). Collection method: clinical testing. Allele origin: germline.
Comment: This sequence change replaces leucine, which is neutral and non-polar, with phenylalanine, which is neutral and non-polar, at codon 960 of the NLRP12 protein (p.Leu960Phe). This variant is not present in population databases (gnomAD no frequency). This variant has not been reported in the literature in individuals affected with NLRP12-related conditions. An algorithm developed to predict the effect of missense changes on protein structure and function (PolyPhen-2) suggests that this variant is likely to be disruptive. In summary, the available evidence is currently insufficient to determine the role of this variant in disease. Therefore, it has been classified as a Variant of Uncertain Significance.